The following is an entry in ClinVar:

ClinVar aggregate classification (germline): Likely benign (1 of 4 stars; one submission).

Allele frequency attached by ClinVar (database versions not stated): gnomAD 0.00001; gnomAD exomes 0.00001 and 0.00002; ExAC 0.00002; TOPMed 0.00002.
gnomAD v4.1: 19 of 1,613,890 alleles (0.0012%); highest among the groups gnomAD compares: Middle Eastern, 0.033%; no homozygotes.

Submission:

CeGaT Center for Human Genetics Tuebingen
Classification: Likely benign. Last evaluated: 2025-01-01. Review status: criteria provided, single submitter. Criteria: CeGaT Center For Human Genetics Tuebingen Variant Classification Criteria Version 2. Collection method: clinical testing. Allele origin: germline. Affected: yes. Observed: 2 variant alleles.
Comment: ASH1L: BP4, BP7

NM_018489.3(ASH1L):c.2859G>A (p.Arg953=)

Gene: ASH1L (ASH1 like histone lysine methyltransferase; minus strand). Cytogenetic location: 1q22.
Variant type: single nucleotide variant.
Coding change: c.2859G>A on transcript NM_018489.3 (MANE Select); coding-DNA position 2859, G replaced by A.
Protein change: p.Arg953=; no amino-acid change (arginine 953 retained).
Molecular consequence: synonymous variant.
Genome position (GRCh38, 1-based): chr1:155,480,011, C>T on the plus strand (G>A on the coding strand, the complement: ASH1L is on the minus strand). VCF-style: chr1-155480011-C-T. GRCh37 (hg19) VCF-style: chr1-155449802-C-T.
Other names: c.2859G>A, p.Arg953= (NM_001366177.2).
Identifiers: ClinVar variation 1334993 (VCV001334993.35), dbSNP rs763045546, ClinGen allele CA1147155.